The following is an entry in ClinVar:

ClinVar aggregate classification (germline): Uncertain significance (1 of 4 stars; one submission).

gnomAD v4.1: 2 of 1,612,866 alleles (0.00012%); highest among the groups gnomAD compares: African/African-American, 0.0027%; no homozygotes.

Submission:

Labcorp Genetics (formerly Invitae), Labcorp
Classification: Uncertain significance. Last evaluated: 2022-06-29. Review status: criteria provided, single submitter. Criteria: Invitae Variant Classification Sherloc (09022015). Collection method: clinical testing. Allele origin: germline.
Comment: In summary, the available evidence is currently insufficient to determine the role of this variant in disease. Therefore, it has been classified as a Variant of Uncertain Significance. Algorithms developed to predict the effect of missense changes on protein structure and function are either unavailable or do not agree on the potential impact of this missense change (SIFT: "Tolerated"; PolyPhen-2: "Not Available"; Align-GVGD: "Class C0"). This variant has not been reported in the literature in individuals affected with MICU1-related conditions. This variant is not present in population databases (gnomAD no frequency). This sequence change replaces histidine, which is basic and polar, with arginine, which is basic and polar, at codon 387 of the MICU1 protein (p.His387Arg).

NM_001195518.2(MICU1):c.1154A>G (p.His385Arg)

Gene: MICU1 (mitochondrial calcium uptake 1; minus strand). Cytogenetic location: 10q22.1.
Variant type: single nucleotide variant.
Coding change: c.1154A>G on transcript NM_001195518.2 (MANE Select); coding-DNA position 1154, A replaced by G.
Protein change: p.His385Arg; replaces histidine 385 with arginine.
Molecular consequence: missense variant.
Genome position (GRCh38, 1-based): chr10:72,407,955, T>C on the plus strand (A>G on the coding strand, the complement: MICU1 is on the minus strand). VCF-style: chr10-72407955-T-C. GRCh37 (hg19) VCF-style: chr10-74167713-T-C.
Other names: c.560A>G, p.His187Arg (NM_001195519.2); c.1172A>G, p.His391Arg (NM_001363513.2); c.1160A>G, p.His387Arg (NM_006077.4); short protein forms H385R, H187R, H387R, H391R.
Identifiers: ClinVar variation 2183405 (VCV002183405.4), dbSNP rs1311647830, ClinGen allele CA377169099.